The following is an entry in ClinVar:

NM_020975.6(RET):c.2297C>G (p.Pro766Arg)

Gene: RET (ret proto-oncogene; plus strand). Cytogenetic location: 10q11.21.
Variant type: single nucleotide variant.
Coding change: c.2297C>G on transcript NM_020975.6 (MANE Select); coding-DNA position 2297, C replaced by G.
Protein change: p.Pro766Arg; replaces proline 766 with arginine.
Molecular consequence: missense variant.
Genome position (GRCh38, 1-based): chr10:43,118,385, C>G. VCF-style: chr10-43118385-C-G. GRCh37 (hg19) VCF-style: chr10-43613833-C-G.
Other names: c.2297C>G, p.Pro766Arg (NM_000323.2, NM_001406743.1, NM_001406744.1 and 4 more transcripts); c.1535C>G, p.Pro512Arg (NM_001355216.2); c.2168C>G, p.Pro723Arg (NM_001406761.1, NM_001406762.1, NM_001406764.1); c.2162C>G, p.Pro721Arg (NM_001406763.1, NM_001406765.1); c.2009C>G, p.Pro670Arg (NM_001406766.1, NM_001406767.1, NM_001406770.1); c.2033C>G, p.Pro678Arg (NM_001406768.1); c.1901C>G, p.Pro634Arg (NM_001406769.1, NM_001406772.1); c.1859C>G, p.Pro620Arg (NM_001406771.1, NM_001406773.1); and 10 more; short protein forms P512R, P766R, P283R, P331R, P620R, P422R, P427R, P371R.
Identifiers: ClinVar variation 1051662 (VCV001051662.11), dbSNP rs1017108031, ClinGen allele CA376555566.

ClinVar aggregate classification (germline): Uncertain significance. Review status: criteria provided, multiple submitters, no conflicts (2 of 4 stars). 2 submissions from 2 submitters: Uncertain significance (2). Last evaluated 2025-12-28.

Conditions:
Multiple endocrine neoplasia, type 2 (MEN2). Identifiers: Orphanet 653, MedGen C4048306, MONDO:0019003. Disease mechanism: gain of function.
Hereditary cancer-predisposing syndrome. Also called: Hereditary Cancer Syndrome; Neoplastic Syndromes, Hereditary; Tumor predisposition; Hereditary neoplastic syndrome. Identifiers: Orphanet 140162, MedGen C0027672, MeSH D009386, MONDO:0015356.

Submissions (2):

Ambry Genetics
Classification: Uncertain significance for Hereditary cancer-predisposing syndrome. Last evaluated: 2025-12-28. Review status: criteria provided, single submitter. Criteria: Ambry Variant Classification Scheme 2023. Collection method: clinical testing. Allele origin: germline.
Comment: The p.P766R variant (also known as c.2297C>G), located in coding exon 13 of the RET gene, results from a C to G substitution at nucleotide position 2297. The proline at codon 766 is replaced by arginine, an amino acid with dissimilar properties. This amino acid position is conserved. In addition, this alteration is predicted to be tolerated by in silico analysis. Based on the available evidence, the clinical significance of this variant remains unclear.

Labcorp Genetics (formerly Invitae), Labcorp
Classification: Uncertain significance for Multiple endocrine neoplasia, type 2. Last evaluated: 2022-06-27. Review status: criteria provided, single submitter. Criteria: Invitae Variant Classification Sherloc (09022015). Collection method: clinical testing. Allele origin: germline.
Comment: This sequence change replaces proline, which is neutral and non-polar, with arginine, which is basic and polar, at codon 766 of the RET protein (p.Pro766Arg). In summary, the available evidence is currently insufficient to determine the role of this variant in disease. Therefore, it has been classified as a Variant of Uncertain Significance. Algorithms developed to predict the effect of missense changes on protein structure and function are either unavailable or do not agree on the potential impact of this missense change (SIFT: "Tolerated"; PolyPhen-2: "Possibly Damaging"; Align-GVGD: "Class C0"). ClinVar contains an entry for this variant (Variation ID: 1051662). This variant has not been reported in the literature in individuals affected with RET-related conditions. This variant is not present in population databases (gnomAD no frequency).